The following is an entry in ClinVar:

Conditions:
Breast-ovarian cancer, familial, susceptibility to, 1 (BROVCA1). Also called: BRCA1 Hereditary Breast and Ovarian Cancer; OVARIAN CANCER, SUSCEPTIBILITY TO. Identifiers: Orphanet 145, MedGen C2676676, MONDO:0011450, OMIM 604370. Disease mechanism: loss of function.

Allele frequency attached by ClinVar (database versions not stated): ESP Exome Variant Server 0.00008.

Submission:

Brotman Baty Institute, University of Washington
No classification provided (evidence only). Condition: Breast-ovarian cancer, familial 1. Review status: no classification provided. Collection method: in vitro. Allele origin: not applicable. Functional consequence: function_uncertain_variant.
ClinVar note: "not provided" was previously submitted as the classification for the variant. However, the classification appeared to be based only on an observation of functional data so it was converted to no classification on 2025-07-30.

NM_007294.4(BRCA1):c.292G>T (p.Gly98Cys)

Gene: BRCA1 (BRCA1 DNA repair associated; minus strand). Cytogenetic location: 17q21.31.
Variant type: single nucleotide variant.
Coding change: c.292G>T on transcript NM_007294.4 (MANE Select); coding-DNA position 292, G replaced by T.
Protein change: p.Gly98Cys; replaces glycine 98 with cysteine.
Molecular consequence: missense variant. On other transcripts: non-coding transcript variant (1).
Genome position (GRCh38, 1-based): chr17:43,104,877, C>A on the plus strand (G>T on the coding strand, the complement: BRCA1 is on the minus strand). VCF-style: chr17-43104877-C-A. GRCh37 (hg19) VCF-style: chr17-41256894-C-A.
Other names: c.292G>T, p.Gly98Cys (NM_001408445.1, NM_001408446.1, NM_001408447.1 and 165 more transcripts); c.160G>T, p.Gly54Cys (NM_001408451.1); c.151G>T, p.Gly51Cys (NM_001408452.1, NM_001408453.1, NM_001408454.1 and 99 more transcripts); c.214G>T, p.Gly72Cys (NM_001408474.1, NM_001408475.1, NM_001408476.1 and 21 more transcripts); c.82G>T, p.Gly28Cys (NM_001408478.1, NM_001408479.1, NM_001408480.1 and 58 more transcripts); c.-90G>T (NM_001408510.1, NM_001408512.1, NM_001407959.1 and 4 more transcripts); c.292G>T, p.Asp98Tyr (NM_001407646.1, NM_001407647.1, NM_001408408.1); short protein forms G98C, G51C, G72C, D98Y, G28C, G54C.
Identifiers: ClinVar variation 865640 (VCV000865640.3), dbSNP rs80357409, ClinGen allele CA10601571.
Genomic context (GRCh38, chr17:43,104,877, plus strand): 5'-AGTTTTCATGGACAGCACTTGAGTGTCATTCTTGGGATATTCAACACTTACACTCCAAAC[C>A]TGTGTCAAGCTGAAAAGCACAAATGATTTTCAATAGCTCTTCAACAAGTTGACTAAATCT-3'
Protein context (NP_009225.1, residues 88-108): KIICAFQLDT[Gly98Cys]LEYANSYNFA